The following is an entry in ClinVar:

ClinVar aggregate classification (germline): Pathogenic/Likely pathogenic. Review status: criteria provided, multiple submitters, no conflicts (2 of 4 stars). 5 submissions from 5 submitters: Pathogenic (3); Likely pathogenic (2). Last evaluated 2024-02-26.

Conditions:
Congenital myasthenic syndrome (CMS). Also called: Congenital Myasthenic Syndromes. Identifiers: Orphanet 590, MedGen C0751882, MeSH D020294, MONDO:0018940.
Congenital myasthenic syndrome 4A. Also called: Myasthenic syndrome, congenital, 4a, slow-channel; CONGENITAL MYASTHENIC SYNDROME TYPE Ia1; MYASTHENIC SYNDROME, CONGENITAL, 4A, SLOW-CHANNEL, AUTOSOMAL RECESSIVE. Identifiers: Orphanet 590, MedGen C4225413, MONDO:0011600, OMIM 605809.

Submissions (5):

Natera, Inc.
Classification: Pathogenic for Congenital myasthenic syndrome. Last evaluated: 2024-02-26. Review status: criteria provided, single submitter. Criteria: Natera Variant Classification Schema (03/2026). Collection method: clinical testing. Allele origin: germline.
Comment: The c.684_687delTGAC variant in CHRNE is a frameshift variant predicted to shift the reading frame beginning at codon 229 and leads to a stop codon 70 codons downstream. This variant is expected to result in nonsense mediated decay, truncation, or a dysfunctional protein product. This variant is rare in the general population with a frequency below the threshold expected for the associated phenotype(s). This variant has been observed in one or more individuals affected with the associated recessive disease, as either homozygous or compound heterozygous with a second variant (PMID: 37721175). Given the available evidence, this variant is classified as Pathogenic.

Labcorp Genetics (formerly Invitae), Labcorp
Classification: Pathogenic for Congenital myasthenic syndrome 4A. Last evaluated: 2024-01-12. Review status: criteria provided, single submitter. Criteria: Invitae Variant Classification Sherloc (09022015). Collection method: clinical testing. Allele origin: germline.
Comment: This sequence change creates a premature translational stop signal (p.Asp229Serfs*70) in the CHRNE gene. It is expected to result in an absent or disrupted protein product. Loss-of-function variants in CHRNE are known to be pathogenic (PMID: 22678886). This variant is not present in population databases (gnomAD no frequency). This variant has not been reported in the literature in individuals affected with CHRNE-related conditions. ClinVar contains an entry for this variant (Variation ID: 651789). For these reasons, this variant has been classified as Pathogenic.

Baylor Genetics
Classification: Pathogenic for Congenital myasthenic syndrome 4A. Last evaluated: 2023-04-17. Review status: criteria provided, single submitter. Criteria: ACMG Guidelines, 2015. Collection method: clinical testing. Allele origin: unknown.

Revvity Omics, Revvity
Classification: Likely pathogenic. Last evaluated: 2022-04-28. Review status: criteria provided, single submitter. Criteria: ACMG Guidelines, 2015. Collection method: clinical testing. Allele origin: germline.

Athena Diagnostics
Classification: Likely pathogenic. Last evaluated: 2019-03-26. Review status: criteria provided, single submitter. Criteria: Athena Diagnostics Criteria. Collection method: clinical testing. Allele origin: germline.
Comment: The variant results in a shift of the reading frame, and is therefore predicted to result in the loss of a functional protein. Not found in the total gnomAD dataset, and the data is high quality (0/279628 chr).

Literature cited by the submitters: PubMed 37721175 (cited by Natera, Inc.); PubMed 22678886 (cited by Labcorp Genetics (formerly Invitae), Labcorp).

NM_000080.4(CHRNE):c.684_687del (p.Asp229fs)

Genes: C17orf107 (chromosome 17 open reading frame 107; plus strand), CHRNE (cholinergic receptor nicotinic epsilon subunit; minus strand). Cytogenetic location: 17p13.2.
Variant type: Deletion.
Coding change: c.684_687del on transcript NM_000080.4 (MANE Select); coding-DNA positions 684 to 687, 4 bases deleted (TGAC; older notation c.684_687delTGAC).
Protein change: p.Asp229fs; shifts the reading frame from aspartic acid 229.
Molecular consequence: frameshift variant. On other transcripts: 3 prime UTR variant (1).
Genome position (GRCh38, 1-based): chr17:4,901,105-4,901,108, GTCA deleted on the plus strand (TGAC on the coding strand, the reverse complement: CHRNE is on the minus strand); deleting any 4 consecutive bases within chr17:4,901,105-4,901,111 gives the same sequence; the c. name uses the placement nearest the transcript's 3' end. VCF-style (leftmost placement, unchanged base first): chr17-4901104-CGTCA-C. GRCh37 (hg19) VCF-style: chr17-4804399-CGTCA-C.
Other names: c.684_687del (NM_000080.3); c.*575_*578del (NM_001145536.2); short protein forms D229fs.
Identifiers: ClinVar variation 651789 (VCV000651789.14), dbSNP rs1597619440, ClinGen allele CA915949472.